The following is an entry in ClinVar:

NM_001170629.2(CHD8):c.6312G>A (p.Glu2104=)

Gene: CHD8 (chromodomain helicase DNA binding protein 8; minus strand). Cytogenetic location: 14q11.2.
Variant type: single nucleotide variant.
Coding change: c.6312G>A on transcript NM_001170629.2 (MANE Select); coding-DNA position 6312, G replaced by A.
Protein change: p.Glu2104=; no amino-acid change (glutamic acid 2104 retained).
Molecular consequence: synonymous variant.
Genome position (GRCh38, 1-based): chr14:21,393,483, C>T on the plus strand (G>A on the coding strand, the complement: CHD8 is on the minus strand). VCF-style: chr14-21393483-C-T. GRCh37 (hg19) VCF-style: chr14-21861642-C-T.
Other names: c.5475G>A, p.Glu1825= (NM_020920.4).
Identifiers: ClinVar variation 588887 (VCV000588887.64), dbSNP rs118140634, ClinGen allele CA7090807.

ClinVar aggregate classification (germline): Benign/Likely benign. Review status: criteria provided, multiple submitters, no conflicts (2 of 4 stars). 5 submissions from 5 submitters: Benign (2); Likely benign (3). Last evaluated 2026-01-28.

Conditions:
Inborn genetic diseases. Identifiers: MedGen C0950123, MeSH D030342.

Allele frequency attached by ClinVar (database versions not stated): gnomAD exomes 0.00023 and 0.00070; gnomAD 0.00030 and 0.00040; TOPMed 0.00045; ExAC 0.00070; 1000 Genomes Project 30x 0.00172; 1000 Genomes Project 0.00200.
gnomAD v4.1: 438 of 1,566,598 alleles (0.028%); highest among the groups gnomAD compares: East Asian, 0.81%; 3 homozygotes.

Submissions (5):

Labcorp Genetics (formerly Invitae), Labcorp
Classification: Benign. Last evaluated: 2026-01-28. Review status: criteria provided, single submitter. Criteria: Invitae Variant Classification Sherloc (09022015). Collection method: clinical testing. Allele origin: germline.

CeGaT Center for Human Genetics Tuebingen
Classification: Likely benign. Last evaluated: 2025-05-01. Review status: criteria provided, single submitter. Criteria: CeGaT Center For Human Genetics Tuebingen Variant Classification Criteria Version 2. Collection method: clinical testing. Allele origin: germline. Affected: yes. Observed: 1 variant allele.
Comment: CHD8: BP4, BP7

Blueprint Genetics
Classification: Likely benign. Last evaluated: 2024-09-18. Review status: criteria provided, single submitter. Criteria: ACMG Guidelines, 2015. Collection method: clinical testing. Allele origin: germline.

GeneDx
Classification: Benign. Last evaluated: 2019-06-20. Review status: criteria provided, single submitter. Criteria: GeneDx Variant Classification Process June 2021. Collection method: clinical testing. Allele origin: germline. Affected: yes.

Ambry Genetics
Classification: Likely benign for Inborn genetic diseases. Last evaluated: 2016-09-24. Review status: criteria provided, single submitter. Criteria: Ambry Variant Classification Scheme 2023. Collection method: clinical testing. Allele origin: germline.